The following is an entry in ClinVar:

ClinVar aggregate classification (germline): Likely benign (1 of 4 stars; one submission).

Allele frequency attached by ClinVar (database versions not stated): ExAC 0.00002; gnomAD 0.00003; TOPMed 0.00003; gnomAD exomes 0.00004; ESP Exome Variant Server 0.00008.
gnomAD v4.1: 61 of 1,613,540 alleles (0.0038%); highest among the groups gnomAD compares: Middle Eastern, 0.034%; no homozygotes.

Submission:

CeGaT Center for Human Genetics Tuebingen
Classification: Likely benign. Last evaluated: 2022-10-01. Review status: criteria provided, single submitter. Criteria: CeGaT Center For Human Genetics Tuebingen Variant Classification Criteria Version 2. Collection method: clinical testing. Allele origin: germline. Affected: yes. Observed: 1 variant allele.
Comment: DNAH17: BP4, BP7

NM_173628.4(DNAH17):c.4200C>T (p.Ile1400=)

Genes: DNAH17 (dynein axonemal heavy chain 17; minus strand), LOC126862655 (P300/CBP strongly-dependent group 1 enhancer GRCh37_chr17:76506209-76507408; plus strand). Cytogenetic location: 17q25.3.
Variant type: single nucleotide variant.
Coding change: c.4200C>T on transcript NM_173628.4 (MANE Select); coding-DNA position 4200, C replaced by T.
Protein change: p.Ile1400=; no amino-acid change (isoleucine 1400 retained).
Molecular consequence: synonymous variant.
Genome position (GRCh38, 1-based): chr17:78,510,420, G>A on the plus strand (C>T on the coding strand, the complement: DNAH17 is on the minus strand). VCF-style: chr17-78510420-G-A. GRCh37 (hg19) VCF-style: chr17-76506502-G-A.
Identifiers: ClinVar variation 2648369 (VCV002648369.24), dbSNP rs367883034, ClinGen allele CA8803852.